The following is an entry in ClinVar:

NM_017777.4(MKS1):c.858+7G>A

Gene: MKS1 (MKS transition zone complex subunit 1; minus strand). Cytogenetic location: 17q22.
Variant type: single nucleotide variant.
Coding change: c.858+7G>A on transcript NM_017777.4 (MANE Select); 7 bases into the intron after coding-DNA position 858, G replaced by A.
Molecular consequence: intron variant.
Genome position (GRCh38, 1-based): chr17:58,212,975, C>T on the plus strand (G>A on the coding strand, the complement: MKS1 is on the minus strand). VCF-style: chr17-58212975-C-T. GRCh37 (hg19) VCF-style: chr17-56290336-C-T.
Other names: c.249+7G>A (NM_001321268.2); c.858+7G>A (NM_001330397.2, NM_001321269.2, NM_017777.3).
Identifiers: ClinVar variation 1124968 (VCV001124968.11), dbSNP rs918270665, ClinGen allele CA292012700.
Genomic context (GRCh38, chr17:58,212,975, plus strand): 5'-CAGAAATGGTCTCAGCTCCAGGCACTGAGGCTCATCCCTTGGATACTTGGAATGAACTTG[C>T]GCTTACATCCTTGAACACTCGCCGTTCCCGCTCCTCCTCCTCCGGCTGTGCGTGGGGGGA-3'

ClinVar aggregate classification (germline): Likely benign. Review status: criteria provided, single submitter (1 of 4 stars). 2 submissions from 2 submitters: Likely benign (1). 1 of the submissions does not count toward it. Last evaluated 2024-03-23.

Conditions:
MKS1-related disorder. Also called: MKS1-related condition; MKS1-related disorders. Identifiers: MedGen CN239382.
Meckel-Gruber syndrome. Also called: DYSENCEPHALIA SPLANCHNOCYSTICA; GRUBER SYNDROME; Dysencephalia splachnocystica. Identifiers: Orphanet 564, MedGen C0265215, MONDO:0018921.
Joubert syndrome. Also called: Familial aplasia of the vermis; JOUBERT-BOLTSHAUSER SYNDROME. Identifiers: Orphanet 475, MedGen C5979921, MONDO:0018772.

Allele frequency attached by ClinVar (database versions not stated): gnomAD exomes 0.00001; gnomAD 0.00002 and 0.00003; TOPMed 0.00002.
gnomAD v4.1: 27 of 1,613,094 alleles (0.0017%); highest among the groups gnomAD compares: African/African-American, 0.0053%; no homozygotes.

Submissions (2):

Labcorp Genetics (formerly Invitae), Labcorp
Classification: Likely benign for Joubert syndrome; Meckel-Gruber syndrome. Last evaluated: 2024-03-23. Review status: criteria provided, single submitter. Criteria: Invitae Variant Classification Sherloc (09022015). Collection method: clinical testing. Allele origin: germline.

PreventionGenetics, part of Exact Sciences
Classification: Likely benign for MKS1-related condition. Last evaluated: 2021-12-01. Review status: no assertion criteria provided. Collection method: clinical testing. Allele origin: germline. Not counted in ClinVar's aggregate classification.
Comment: This variant is classified as likely benign based on ACMG/AMP sequence variant interpretation guidelines (Richards et al. 2015 PMID: 25741868, with internal and published modifications).